The following is an entry in ClinVar:

ClinVar aggregate classification (germline): Uncertain significance. Review status: criteria provided, multiple submitters, no conflicts (2 of 4 stars). 3 submissions from 3 submitters: Uncertain significance (3). Last evaluated 2024-09-26.

Conditions:
Beta-D-mannosidosis (MANSB). Also called: Beta-Mannosidosis; MANNOSIDOSIS, BETA A, LYSOSOMAL; BETA-MANNOSIDASE DEFICIENCY; LYSOSOMAL BETA-MANNOSIDASE DEFICIENCY. Identifiers: Orphanet 118, MedGen C4048196, MONDO:0009562, OMIM 248510.
Inborn genetic diseases. Identifiers: MedGen C0950123, MeSH D030342.

Allele frequency attached by ClinVar (database versions not stated): TOPMed 0.00001.
gnomAD v4.1: 3 of 1,613,064 alleles (0.00019%); highest among the groups gnomAD compares: Admixed American, 0.005%; no homozygotes.

Submissions (3):

Ambry Genetics
Classification: Uncertain significance for Inborn genetic diseases. Last evaluated: 2024-09-26. Review status: criteria provided, single submitter. Criteria: Ambry Variant Classification Scheme 2023. Collection method: clinical testing. Allele origin: germline.

Fulgent Genetics
Classification: Uncertain significance for Beta-D-mannosidosis. Last evaluated: 2024-06-07. Review status: criteria provided, single submitter. Criteria: ACMG Guidelines, 2015. Collection method: clinical testing. Allele origin: germline.

Labcorp Genetics (formerly Invitae), Labcorp
Classification: Uncertain significance for Beta-D-mannosidosis. Last evaluated: 2022-08-07. Review status: criteria provided, single submitter. Criteria: Invitae Variant Classification Sherloc (09022015). Collection method: clinical testing. Allele origin: germline.
Comment: This sequence change replaces serine, which is neutral and polar, with threonine, which is neutral and polar, at codon 576 of the MANBA protein (p.Ser576Thr). This variant is not present in population databases (gnomAD no frequency). This variant has not been reported in the literature in individuals affected with MANBA-related conditions. Algorithms developed to predict the effect of missense changes on protein structure and function (SIFT, PolyPhen-2, Align-GVGD) all suggest that this variant is likely to be tolerated. In summary, the available evidence is currently insufficient to determine the role of this variant in disease. Therefore, it has been classified as a Variant of Uncertain Significance.

NM_005908.4(MANBA):c.1726T>A (p.Ser576Thr)

Gene: MANBA (mannosidase beta; minus strand). Cytogenetic location: 4q24.
Variant type: single nucleotide variant.
Coding change: c.1726T>A on transcript NM_005908.4 (MANE Select); coding-DNA position 1726, T replaced by A.
Protein change: p.Ser576Thr; replaces serine 576 with threonine.
Molecular consequence: missense variant.
Genome position (GRCh38, 1-based): chr4:102,650,680, A>T on the plus strand (T>A on the coding strand, the complement: MANBA is on the minus strand). VCF-style: chr4-102650680-A-T. GRCh37 (hg19) VCF-style: chr4-103571837-A-T.
Other names: c.1726T>A (NM_005908.3); short protein forms S576T.
Identifiers: ClinVar variation 2170503 (VCV002170503.3), dbSNP rs1560748334, ClinGen allele CA357758080.
Genomic context (GRCh38, chr4:102,650,680, plus strand): 5'-GCATTTGTTTGTTACCACCTTCGTGATGTTGTCGATGAAGTGAAAACTTGCTATTGAAAG[A>T]CCAGTCCTCTGTAGACGAGACCTTTCAAATAAAGAATAAGAATTAGAAATCTGAAAGTTG-3'
Protein context (NP_005899.3, residues 566-586): LEKVSSTEDW[Ser576Thr]FNSKFSLHRQ